The following is an entry in ClinVar:

NM_006343.3(MERTK):c.1469C>T (p.Pro490Leu)

Gene: MERTK (MER proto-oncogene, tyrosine kinase; plus strand). Cytogenetic location: 2q13.
Variant type: single nucleotide variant.
Coding change: c.1469C>T on transcript NM_006343.3 (MANE Select); coding-DNA position 1469, C replaced by T.
Protein change: p.Pro490Leu; replaces proline 490 with leucine.
Molecular consequence: missense variant.
Genome position (GRCh38, 1-based): chr2:111,997,341, C>T. VCF-style: chr2-111997341-C-T. GRCh37 (hg19) VCF-style: chr2-112754918-C-T.
Other names: short protein forms P490L.
Identifiers: ClinVar variation 934006 (VCV000934006.9), dbSNP rs1676768163, ClinGen allele CA348231021.

ClinVar aggregate classification (germline): Uncertain significance (1 of 4 stars; one submission).

Submission:

Labcorp Genetics (formerly Invitae), Labcorp
Classification: Uncertain significance. Last evaluated: 2023-08-30. Review status: criteria provided, single submitter. Criteria: Invitae Variant Classification Sherloc (09022015). Collection method: clinical testing. Allele origin: germline.
Comment: In summary, the available evidence is currently insufficient to determine the role of this variant in disease. Therefore, it has been classified as a Variant of Uncertain Significance. Advanced modeling of protein sequence and biophysical properties (such as structural, functional, and spatial information, amino acid conservation, physicochemical variation, residue mobility, and thermodynamic stability) has been performed at Invitae for this missense variant, however the output from this modeling did not meet the statistical confidence thresholds required to predict the impact of this variant on MERTK protein function. ClinVar contains an entry for this variant (Variation ID: 934006). This variant has not been reported in the literature in individuals affected with MERTK-related conditions. This variant is not present in population databases (gnomAD no frequency). This sequence change replaces proline, which is neutral and non-polar, with leucine, which is neutral and non-polar, at codon 490 of the MERTK protein (p.Pro490Leu).